The following is an entry in ClinVar:

NM_133497.4(KCNV2):c.191_194dup (p.Asp65fs)

Gene: KCNV2 (potassium voltage-gated channel modifier subfamily V member 2; plus strand). Cytogenetic location: 9p24.2.
Variant type: Duplication.
Coding change: c.191_194dup on transcript NM_133497.4 (MANE Select); coding-DNA positions 191 to 194, 4 bases duplicated (AGGA; older notation c.191_194dupAGGA).
Protein change: p.Asp65fs; shifts the reading frame from aspartic acid 65.
Molecular consequence: frameshift variant.
Genome position (GRCh38, 1-based): chr9:2,717,930-2,717,933, AGGA duplicated. VCF-style (leftmost placement, unchanged base first): chr9-2717929-G-GAGGA. GRCh37 (hg19) VCF-style: chr9-2717929-G-GAGGA.
Other names: c.191_194dupAGGA (NM_133497.4); short protein forms D65fs.
Identifiers: ClinVar variation 4850473 (VCV004850473.1).

ClinVar aggregate classification (germline): Likely pathogenic (1 of 4 stars; one submission).

Conditions:
Cone dystrophy with supernormal rod response (CDSRR). Also called: CONE DYSTROPHY WITH SUPERNORMAL ROD RESPONSES. Identifiers: Orphanet 209932, MedGen C1835897, MONDO:0012475, OMIM 610356.

Submission:

First Genomix Gene Laboratory, Genetic Diagnostics Department
Classification: Likely pathogenic for Cone dystrophy with supernormal rod response. Last evaluated: 2025-08-22. Review status: criteria provided, single submitter. Criteria: ACMG Guidelines, 2015. Collection method: clinical testing. Allele origin: germline. Inheritance: Autosomal recessive inheritance. Affected: no. Observed: 1 variant allele.